The following is an entry in ClinVar:

ClinVar aggregate classification (germline): Conflicting classifications of pathogenicity. Review status: criteria provided, conflicting classifications (1 of 4 stars). 4 submissions from 3 submitters: Uncertain significance (1); Likely benign (3). Last evaluated 2026-01-25.

Conditions:
Aicardi-Goutieres syndrome 5. Identifiers: Orphanet 51, MedGen C2749659, MONDO:0013059, OMIM 612952.
Chilblain lupus 2 (CHBL2). Identifiers: MedGen C3280721, MONDO:0013739, OMIM 614415.

Allele frequency attached by ClinVar (database versions not stated): ExAC 0.00006; gnomAD exomes 0.00007 and 0.00018; ESP Exome Variant Server 0.00008; gnomAD 0.00011; TOPMed 0.00011.
gnomAD v4.1: 282 of 1,612,576 alleles (0.017%); highest among the groups gnomAD compares: Middle Eastern, 0.035%; no homozygotes.

Submissions (4):

Labcorp Genetics (formerly Invitae), Labcorp
Classification: Likely benign for Aicardi-Goutieres syndrome 5. Last evaluated: 2026-01-25. Review status: criteria provided, single submitter. Criteria: Invitae Variant Classification Sherloc (09022015). Collection method: clinical testing. Allele origin: germline.

Blueprint Genetics
Classification: Likely benign. Last evaluated: 2024-09-07. Review status: criteria provided, single submitter. Criteria: ACMG Guidelines, 2015. Collection method: clinical testing. Allele origin: germline.

Illumina Laboratory Services, Illumina
Classification: Likely benign for Chilblain lupus 2. Last evaluated: 2018-01-12. Review status: criteria provided, single submitter. Criteria: ICSL Variant Classification Criteria 13 December 2019. Collection method: clinical testing. Allele origin: germline.
Comment: This variant was observed in the ICSL laboratory as part of a predisposition screen in an ostensibly healthy population. It had not been previously curated by ICSL or reported in the Human Gene Mutation Database (HGMD: prior to June 1st, 2018), and was therefore a candidate for classification through an automated scoring system. Utilizing variant allele frequency, disease prevalence and penetrance estimates, and inheritance mode, an automated score was calculated to assess if this variant is too frequent to cause the disease. Based on the score and internal cut-off values, a variant classified as likely benign is not then subjected to further curation. The score for this variant resulted in a classification of likely benign for this disease.

Illumina Laboratory Services, Illumina
Classification: Uncertain significance for Aicardi-Goutieres syndrome 5. Last evaluated: 2018-01-12. Review status: criteria provided, single submitter. Criteria: ICSL Variant Classification Criteria 13 December 2019. Collection method: clinical testing. Allele origin: germline.

NM_015474.4(SAMHD1):c.697-11A>G

Gene: SAMHD1 (SAM and HD domain containing deoxynucleoside triphosphate triphosphohydrolase 1; minus strand). Cytogenetic location: 20q11.23.
Variant type: single nucleotide variant.
Coding change: c.697-11A>G on transcript NM_015474.4 (MANE Select); 11 bases into the intron before coding-DNA position 697, A replaced by G.
Molecular consequence: intron variant.
Genome position (GRCh38, 1-based): chr20:36,919,530, T>C on the plus strand (A>G on the coding strand, the complement: SAMHD1 is on the minus strand). VCF-style: chr20-36919530-T-C. GRCh37 (hg19) VCF-style: chr20-35547933-T-C.
Other names: c.697-11A>G (NM_001363729.2, NM_001363733.2).
Identifiers: ClinVar variation 338346 (VCV000338346.13), dbSNP rs200458478, ClinGen allele CA9844658.
Genomic context (GRCh38, chr20:36,919,530, plus strand): 5'-CCATTAGAATTAATAAGGTGCTCAAACATCATAACTGAGCCTTGTTCATGCTAGGAAAAG[T>C]AAGCACAATATGATGTGTTAAAGATTCTAGCCCATTGGGAGCCCTGACTAACAAAATTAT-3'